The following is an entry in ClinVar:

NM_005121.3(MED13):c.2694T>G (p.Asp898Glu)

Gene: MED13 (mediator complex subunit 13; minus strand). Cytogenetic location: 17q23.2.
Variant type: single nucleotide variant.
Coding change: c.2694T>G on transcript NM_005121.3 (MANE Select); coding-DNA position 2694, T replaced by G.
Protein change: p.Asp898Glu; replaces aspartic acid 898 with glutamic acid.
Molecular consequence: missense variant.
Genome position (GRCh38, 1-based): chr17:61,984,365, A>C on the plus strand (T>G on the coding strand, the complement: MED13 is on the minus strand). VCF-style: chr17-61984365-A-C. GRCh37 (hg19) VCF-style: chr17-60061726-A-C.
Other names: short protein forms D898E.
Identifiers: ClinVar variation 2603398 (VCV002603398.2), dbSNP rs1235966008, ClinGen allele CA400508293.

ClinVar aggregate classification (germline): Uncertain significance (1 of 4 stars; one submission).

Conditions:
Inborn genetic diseases. Identifiers: MedGen C0950123, MeSH D030342.

Allele frequency attached by ClinVar (database versions not stated): gnomAD 0.00001; gnomAD exomes 0.00001.
gnomAD v4.1: 5 of 1,550,798 alleles (0.00032%); highest among the groups gnomAD compares: South Asian, 0.0012%; no homozygotes.

Submission:

Ambry Genetics
Classification: Uncertain significance for Inborn genetic diseases. Last evaluated: 2023-07-13. Review status: criteria provided, single submitter. Criteria: Ambry Variant Classification Scheme 2023. Collection method: clinical testing. Allele origin: germline.
Comment: The c.2694T>G (p.D898E) alteration is located in coding exon 15 of the MED13 gene. This alteration results from a T to G substitution at nucleotide position 2694, causing the aspartic acid (D) at amino acid position 898 to be replaced by a glutamic acid (E). This allele was reported in one heterozygous individual in population-based cohorts in the Genome Aggregation Database (gnomAD). This amino acid position is highly conserved in available vertebrate species. The in silico prediction for this alteration is inconclusive. Based on insufficient or conflicting evidence, the clinical significance of this alteration remains unclear.